The following is an entry in ClinVar:

NM_018714.3(COG1):c.254dup (p.Tyr86fs)

Gene: COG1 (component of oligomeric golgi complex 1; plus strand). Cytogenetic location: 17q25.1.
Variant type: Duplication.
Coding change: c.254dup on transcript NM_018714.3 (MANE Select); coding-DNA position 254, one base duplicated (A; older notation c.254dupA).
Protein change: p.Tyr86fs; shifts the reading frame from tyrosine 86.
Molecular consequence: frameshift variant.
Genome position (GRCh38, 1-based): chr17:73,193,323, A duplicated. VCF-style (leftmost placement, unchanged base first): chr17-73193322-C-CA. GRCh37 (hg19) VCF-style: chr17-71189461-C-CA.
Other names: short protein forms Y86fs.
Identifiers: ClinVar variation 2028309 (VCV002028309.4), dbSNP rs2061310130, ClinGen allele CA2274430388.

ClinVar aggregate classification (germline): Pathogenic (1 of 4 stars; one submission).

Conditions:
COG1 congenital disorder of glycosylation (CDG2G). Also called: CONGENITAL DISORDER OF GLYCOSYLATION, TYPE IIg; CDG IIg; CDGII/COG1 CEREBROCOSTOMANDIBULAR-LIKE SYNDROME. Identifiers: Orphanet 263508, MedGen C2931011, MONDO:0012637, OMIM 611209.

Allele frequency attached by ClinVar (database versions not stated): TOPMed below 0.00001.

Submission:

Labcorp Genetics (formerly Invitae), Labcorp
Classification: Pathogenic for COG1 congenital disorder of glycosylation. Last evaluated: 2022-11-08. Review status: criteria provided, single submitter. Criteria: Invitae Variant Classification Sherloc (09022015). Collection method: clinical testing. Allele origin: germline.
Comment: For these reasons, this variant has been classified as Pathogenic. This variant has not been reported in the literature in individuals affected with COG1-related conditions. This variant is not present in population databases (gnomAD no frequency). This sequence change creates a premature translational stop signal (p.Tyr86Valfs*78) in the COG1 gene. It is expected to result in an absent or disrupted protein product. Loss-of-function variants in COG1 are known to be pathogenic (PMID: 16537452).

Literature cited by the submitters: PubMed 16537452.